The following is an entry in ClinVar:

NM_001430.5(EPAS1):c.853G>A (p.Asp285Asn)

Gene: EPAS1 (endothelial PAS domain protein 1; plus strand). Cytogenetic location: 2p21.
Variant type: single nucleotide variant.
Coding change: c.853G>A on transcript NM_001430.5 (MANE Select); coding-DNA position 853, G replaced by A.
Protein change: p.Asp285Asn; replaces aspartic acid 285 with asparagine.
Molecular consequence: missense variant.
Genome position (GRCh38, 1-based): chr2:46,369,900, G>A. VCF-style: chr2-46369900-G-A. GRCh37 (hg19) VCF-style: chr2-46597039-G-A.
Other names: short protein forms D285N.
Identifiers: ClinVar variation 3221678 (VCV003221678.1), dbSNP rs2103652711, ClinGen allele CA346701791.

ClinVar aggregate classification (germline): Uncertain significance (1 of 4 stars; one submission).

Conditions:
Inborn genetic diseases. Identifiers: MedGen C0950123, MeSH D030342.

Allele frequency attached by ClinVar (database versions not stated): gnomAD exomes below 0.00001.
gnomAD v4.1: 1 of 1,612,492 alleles (0.000062%); highest among the groups gnomAD compares: Non-Finnish European, 0.000085%; no homozygotes.

Submission:

Ambry Genetics
Classification: Uncertain significance for Inborn genetic diseases. Last evaluated: 2023-10-27. Review status: criteria provided, single submitter. Criteria: Ambry Variant Classification Scheme 2023. Collection method: clinical testing. Allele origin: germline.
Comment: The p.D285N variant (also known as c.853G>A), located in coding exon 7 of the EPAS1 gene, results from a G to A substitution at nucleotide position 853. The aspartic acid at codon 285 is replaced by asparagine, an amino acid with highly similar properties. This amino acid position is conserved. In addition, this alteration is predicted to be tolerated by in silico analysis. Since supporting evidence is limited at this time, the clinical significance of this alteration remains unclear.